The following is an entry in ClinVar:

NM_001242896.3(DEPDC5):c.3746G>A (p.Arg1249Gln)

Gene: DEPDC5 (DEP domain containing 5, GATOR1 subcomplex subunit; plus strand). Cytogenetic location: 22q12.3.
Variant type: single nucleotide variant.
Coding change: c.3746G>A on transcript NM_001242896.3 (MANE Select); coding-DNA position 3746, G replaced by A.
Protein change: p.Arg1249Gln; replaces arginine 1249 with glutamine.
Molecular consequence: missense variant. On other transcripts: non-coding transcript variant (2).
Genome position (GRCh38, 1-based): chr22:31,876,206, G>A. VCF-style: chr22-31876206-G-A. GRCh37 (hg19) VCF-style: chr22-32272192-G-A.
Other names: c.3719G>A, p.Arg1240Gln (NM_001136029.4); c.3446G>A, p.Arg1149Gln (NM_001242897.2); c.3680G>A, p.Arg1227Gln (NM_001363852.2, NM_001364320.2); c.3512G>A, p.Arg1171Gln (NM_001363854.2, NM_001364319.2); c.3746G>A, p.Arg1249Gln (NM_001364318.2); c.3662G>A, p.Arg1221Gln (NM_001369901.1, NM_001369902.1); c.3653G>A, p.Arg1218Gln (NM_001369903.1, NM_014662.6); short protein forms R1240Q, R1171Q, R1218Q, R1149Q, R1221Q, R1227Q, R1249Q.
Identifiers: ClinVar variation 942751 (VCV000942751.18), dbSNP rs747454808, ClinGen allele CA10197083.
Genomic context (GRCh38, chr22:31,876,206, plus strand): 5'-GTCTCTCCTAGAAAATGCTGGAAGAGCAGCTCATCACACATGCATCTGGCGAAGCCTGGC[G>A]GACCTTCATCTACGGCTTCTATTTCTACAAGATAGTAACGGACAAAGAGCCCGACCGAGG-3'
Protein context (NP_001229825.1, residues 1239-1259): LITHASGEAW[Arg1249Gln]TFIYGFYFYK

ClinVar aggregate classification (germline): Uncertain significance. Review status: criteria provided, multiple submitters, no conflicts (2 of 4 stars). 4 submissions from 4 submitters: Uncertain significance (4). Last evaluated 2025-09-10.

Conditions:
Familial focal epilepsy with variable foci (FPEVF). Identifiers: Orphanet 98820, MedGen C1858477, MONDO:0020310.
Epilepsy, familial focal, with variable foci 1 (FFEVF1). Also called: DEPDC5-Related Epilepsy. Identifiers: MedGen C4551983, MONDO:0024556, OMIM 604364.
Inborn genetic diseases. Identifiers: MedGen C0950123, MeSH D030342.

Allele frequency attached by ClinVar (database versions not stated): ExAC 0.00001; gnomAD exomes 0.00001; gnomAD 0.00003; TOPMed 0.00004.
gnomAD v4.1: 16 of 1,613,996 alleles (0.00099%); highest among the groups gnomAD compares: Middle Eastern, 0.017%; no homozygotes.

Submissions (4):

Genomic Medicine Center of Excellence, King Faisal Specialist Hospital and Research Centre
Classification: Uncertain significance for Epilepsy, familial focal, with variable foci 1. Last evaluated: 2025-09-10. Review status: criteria provided, single submitter. Criteria: ACMG Guidelines, 2015. Collection method: clinical testing. Allele origin: germline.

Labcorp Genetics (formerly Invitae), Labcorp
Classification: Uncertain significance for Familial focal epilepsy with variable foci. Last evaluated: 2025-06-29. Review status: criteria provided, single submitter. Criteria: Invitae Variant Classification Sherloc (09022015). Collection method: clinical testing. Allele origin: germline.
Comment: This sequence change replaces arginine, which is basic and polar, with glutamine, which is neutral and polar, at codon 1249 of the DEPDC5 protein (p.Arg1249Gln). This variant is present in population databases (rs747454808, gnomAD 0.003%). This variant has not been reported in the literature in individuals affected with DEPDC5-related conditions. ClinVar contains an entry for this variant (Variation ID: 942751). Experimental studies and prediction algorithms are not available or were not evaluated, and the functional significance of this variant is currently unknown. In summary, the available evidence is currently insufficient to determine the role of this variant in disease. Therefore, it has been classified as a Variant of Uncertain Significance.

Ambry Genetics
Classification: Uncertain significance for Inborn genetic diseases. Last evaluated: 2025-04-20. Review status: criteria provided, single submitter. Criteria: Ambry Variant Classification Scheme 2023. Collection method: clinical testing. Allele origin: germline.

CeGaT Center for Human Genetics Tuebingen
Classification: Uncertain significance. Last evaluated: 2025-03-01. Review status: criteria provided, single submitter. Criteria: CeGaT Center For Human Genetics Tuebingen Variant Classification Criteria Version 2. Collection method: clinical testing. Allele origin: germline. Affected: yes. Observed: 1 variant allele.
Comment: DEPDC5: PM2, BP4